The following is an entry in ClinVar:

ClinVar aggregate classification (germline): Conflicting classifications of pathogenicity. Review status: criteria provided, conflicting classifications (1 of 4 stars). 3 submissions from 3 submitters: Uncertain significance (2); Likely benign (1). Last evaluated 2026-09-02.

Conditions:
UNC119-related disorder. Also called: UNC119-related condition.

Allele frequency attached by ClinVar (database versions not stated): gnomAD 0.00001 and 0.00002; TOPMed 0.00008; ExAC 0.00010; gnomAD exomes 0.00016.
gnomAD v4.1: 60 of 1,614,052 alleles (0.0037%); highest among the groups gnomAD compares: Admixed American, 0.072%; no homozygotes.

Submissions (3):

PreventionGenetics, part of Exact Sciences
Classification: Likely benign for UNC119-related condition. Last evaluated: 2026-09-02. Review status: criteria provided, single submitter. Criteria: ACMG Guidelines, 2015. Collection method: clinical testing. Allele origin: germline.
Comment: This variant is classified as likely benign based on ACMG/AMP sequence variant interpretation guidelines (Richards et al. 2015 PMID: 25741868, with internal and published modifications).

Labcorp Genetics (formerly Invitae), Labcorp
Classification: Uncertain significance. Last evaluated: 2025-09-24. Review status: criteria provided, single submitter. Criteria: Invitae Variant Classification Sherloc (09022015). Collection method: clinical testing. Allele origin: germline.
Comment: This sequence change replaces arginine, which is basic and polar, with tryptophan, which is neutral and slightly polar, at codon 94 of the UNC119 protein (p.Arg94Trp). This variant is present in population databases (rs764558972, gnomAD 0.1%), and has an allele count higher than expected for a pathogenic variant. This variant has not been reported in the literature in individuals affected with UNC119-related conditions. ClinVar contains an entry for this variant (Variation ID: 965685). An algorithm developed to predict the effect of missense changes on protein structure and function (PolyPhen-2) suggests that this variant is likely to be disruptive. In summary, the available evidence is currently insufficient to determine the role of this variant in disease. Therefore, it has been classified as a Variant of Uncertain Significance.

Ambry Genetics
Classification: Uncertain significance. Last evaluated: 2024-09-03. Review status: criteria provided, single submitter. Criteria: Ambry Variant Classification Scheme 2023. Collection method: clinical testing. Allele origin: germline.

NM_005148.4(UNC119):c.280C>T (p.Arg94Trp)

Gene: UNC119 (unc-119 lipid binding chaperone; minus strand). Cytogenetic location: 17q11.2.
Variant type: single nucleotide variant.
Coding change: c.280C>T on transcript NM_005148.4 (MANE Select); coding-DNA position 280, C replaced by T.
Protein change: p.Arg94Trp; replaces arginine 94 with tryptophan.
Molecular consequence: missense variant. On other transcripts: 5 prime UTR variant (1).
Genome position (GRCh38, 1-based): chr17:28,548,646, G>A on the plus strand (C>T on the coding strand, the complement: UNC119 is on the minus strand). VCF-style: chr17-28548646-G-A. GRCh37 (hg19) VCF-style: chr17-26875664-G-A.
Other names: c.-6C>T (NM_001330166.2); c.280C>T, p.Arg94Trp (NM_054035.2); short protein forms R94W.
Identifiers: ClinVar variation 965685 (VCV000965685.10), dbSNP rs764558972, ClinGen allele CA8459863.